The following is an entry in ClinVar:

ClinVar aggregate classification (germline): Likely benign. Review status: criteria provided, multiple submitters, no conflicts (2 of 4 stars). 3 submissions from 3 submitters: Likely benign (3). Last evaluated 2023-11-28.

Conditions:
Hereditary cancer-predisposing syndrome. Also called: Hereditary neoplastic syndrome; Hereditary Cancer Syndrome; Neoplastic Syndromes, Hereditary; Tumor predisposition. Identifiers: Orphanet 140162, MedGen C0027672, MeSH D009386, MONDO:0015356.

Allele frequency attached by ClinVar (database versions not stated): gnomAD exomes below 0.00001.
gnomAD v4.1: 1 of 1,613,918 alleles (0.000062%); highest among the groups gnomAD compares: Non-Finnish European, 0.000085%; no homozygotes.

Submissions (3):

Ambry Genetics
Classification: Likely benign for Hereditary cancer-predisposing syndrome. Last evaluated: 2023-11-28. Review status: criteria provided, single submitter. Criteria: Ambry Variant Classification Scheme 2023. Collection method: clinical testing. Allele origin: germline.

Labcorp Genetics (formerly Invitae), Labcorp
Classification: Likely benign. Last evaluated: 2023-03-21. Review status: criteria provided, single submitter. Criteria: Invitae Variant Classification Sherloc (09022015). Collection method: clinical testing. Allele origin: germline.

GeneDx
Classification: Likely benign. Last evaluated: 2017-07-28. Review status: criteria provided, single submitter. Criteria: GeneDx Variant Classification (06012015). Collection method: clinical testing. Allele origin: germline. Affected: yes.
Comment: This variant is considered likely benign or benign based on one or more of the following criteria: it is a conservative change, it occurs at a poorly conserved position in the protein, it is predicted to be benign by multiple in silico algorithms, and/or has population frequency not consistent with disease.

NM_005431.2(XRCC2):c.258C>T (p.His86=)

Gene: XRCC2 (X-ray repair cross complementing 2; minus strand). Cytogenetic location: 7q36.1.
Variant type: single nucleotide variant.
Coding change: c.258C>T on transcript NM_005431.2 (MANE Select); coding-DNA position 258, C replaced by T.
Protein change: p.His86=; no amino-acid change (histidine 86 retained).
Molecular consequence: synonymous variant.
Genome position (GRCh38, 1-based): chr7:152,649,227, G>A on the plus strand (C>T on the coding strand, the complement: XRCC2 is on the minus strand). VCF-style: chr7-152649227-G-A. GRCh37 (hg19) VCF-style: chr7-152346312-G-A.
Identifiers: ClinVar variation 511130 (VCV000511130.5), dbSNP rs1554410545, ClinGen allele CA458895473.